The following is an entry in ClinVar:

NM_022089.4(ATP13A2):c.374C>G (p.Ala125Gly)

Gene: ATP13A2 (ATPase cation transporting 13A2; minus strand). Cytogenetic location: 1p36.13.
Variant type: single nucleotide variant.
Coding change: c.374C>G on transcript NM_022089.4 (MANE Select); coding-DNA position 374, C replaced by G.
Protein change: p.Ala125Gly; replaces alanine 125 with glycine.
Molecular consequence: missense variant.
Genome position (GRCh38, 1-based): chr1:17,004,795, G>C on the plus strand (C>G on the coding strand, the complement: ATP13A2 is on the minus strand). VCF-style: chr1-17004795-G-C. GRCh37 (hg19) VCF-style: chr1-17331290-G-C.
Other names: c.374C>G, p.Ala125Gly (NM_001141973.3, NM_001141974.3); c.374C>G (NM_022089.2); short protein forms A125G.
Identifiers: ClinVar variation 1431695 (VCV001431695.4), dbSNP rs1050244144, ClinGen allele CA18646294.
Genomic context (GRCh38, chr1:17,004,795, plus strand): 5'-GTATCCTTCCAGGCACCCTCTGGTACCGCCCCAACTGCCGCCTGGCTCCGGCCATCCTCT[G>C]CCTGGGACTGTGGGGACGGCTCCAGGCTGGGGAAGCAGGTGAGGGTTACTCTCGAGCTCT-3'
Protein context (NP_071372.1, residues 115-135): GSLEPSPQSQ[Ala125Gly]EDGRSQAAVG

ClinVar aggregate classification (germline): Uncertain significance. Review status: criteria provided, multiple submitters, no conflicts (2 of 4 stars). 2 submissions from 2 submitters: Uncertain significance (2). Last evaluated 2024-02-28.

Conditions:
Inborn genetic diseases. Identifiers: MedGen C0950123, MeSH D030342.
Autosomal recessive spastic paraplegia type 78. Identifiers: Orphanet 513436, MedGen C5567893, MONDO:0014975, OMIM 617225.
Kufor-Rakeb syndrome (KRS). Also called: PARKINSON DISEASE 9, AUTOSOMAL RECESSIVE, JUVENILE-ONSET. Identifiers: Orphanet 306674, Orphanet 314632, MedGen C1847640, MONDO:0011706, OMIM 606693.

Allele frequency attached by ClinVar (database versions not stated): gnomAD exomes 0.00001 and 0.00002; gnomAD 0.00003 and 0.00004; TOPMed 0.00003.
gnomAD v4.1: 29 of 1,613,840 alleles (0.0018%); highest among the groups gnomAD compares: Middle Eastern, 0.033%; no homozygotes.

Submissions (2):

Ambry Genetics
Classification: Uncertain significance for Inborn genetic diseases. Last evaluated: 2024-02-28. Review status: criteria provided, single submitter. Criteria: Ambry Variant Classification Scheme 2023. Collection method: clinical testing. Allele origin: germline.

Labcorp Genetics (formerly Invitae), Labcorp
Classification: Uncertain significance for Kufor-Rakeb syndrome; Autosomal recessive spastic paraplegia type 78. Last evaluated: 2022-10-16. Review status: criteria provided, single submitter. Criteria: Invitae Variant Classification Sherloc (09022015). Collection method: clinical testing. Allele origin: germline.
Comment: This sequence change replaces alanine, which is neutral and non-polar, with glycine, which is neutral and non-polar, at codon 125 of the ATP13A2 protein (p.Ala125Gly). This variant is not present in population databases (gnomAD no frequency). This variant has not been reported in the literature in individuals affected with ATP13A2-related conditions. ClinVar contains an entry for this variant (Variation ID: 1431695). Advanced modeling of protein sequence and biophysical properties (such as structural, functional, and spatial information, amino acid conservation, physicochemical variation, residue mobility, and thermodynamic stability) performed at Invitae indicates that this missense variant is not expected to disrupt ATP13A2 protein function. In summary, the available evidence is currently insufficient to determine the role of this variant in disease. Therefore, it has been classified as a Variant of Uncertain Significance.